The following is an entry in ClinVar:

ClinVar aggregate classification (germline): Uncertain significance (1 of 4 stars; one submission).

Submission:

Ambry Genetics
Classification: Uncertain significance. Last evaluated: 2024-12-15. Review status: criteria provided, single submitter. Criteria: Ambry Variant Classification Scheme 2023. Collection method: clinical testing. Allele origin: germline.
Comment: The p.E385K variant (also known as c.1153G>A), located in coding exon 6 of the GALNT12 gene, results from a G to A substitution at nucleotide position 1153. The glutamic acid at codon 385 is replaced by lysine, an amino acid with similar properties. This amino acid position is highly conserved in available vertebrate species. In addition, this alteration is predicted to be deleterious by in silico analysis. Since supporting evidence is limited at this time, the clinical significance of this alteration remains unclear.

NM_024642.5(GALNT12):c.1153G>A (p.Glu385Lys)

Gene: GALNT12 (polypeptide N-acetylgalactosaminyltransferase 12; plus strand). Cytogenetic location: 9q22.33.
Variant type: single nucleotide variant.
Coding change: c.1153G>A on transcript NM_024642.5 (MANE Select); coding-DNA position 1153, G replaced by A.
Protein change: p.Glu385Lys; replaces glutamic acid 385 with lysine.
Molecular consequence: missense variant.
Genome position (GRCh38, 1-based): chr9:98,837,089, G>A. VCF-style: chr9-98837089-G-A. GRCh37 (hg19) VCF-style: chr9-101599371-G-A.
Other names: short protein forms E385K.
Identifiers: ClinVar variation 1734703 (VCV001734703.3), dbSNP rs2490533421, ClinGen allele CA374219902.